The following is an entry in ClinVar:

ClinVar aggregate classification (germline): Uncertain significance (1 of 4 stars; one submission).

Conditions:
Generalized epilepsy with febrile seizures plus, type 7 (GEFSP7). Also called: GEFS+, TYPE 7. Identifiers: Orphanet 36387, MedGen C2751778, MONDO:0013470, OMIM 613863.
Neuropathy, hereditary sensory and autonomic, type 2A (HSAN2A). Also called: HSAN IIA; ACROOSTEOLYSIS, GIACCAI TYPE; ACROOSTEOLYSIS, NEUROGENIC; MORVAN DISEASE; NEUROPATHY, CONGENITAL SENSORY; NEUROPATHY, HEREDITARY SENSORY RADICULAR, AUTOSOMAL RECESSIVE. Identifiers: Orphanet 970, MedGen C2752089, MONDO:0024309, OMIM 201300.

Allele frequency attached by ClinVar (database versions not stated): gnomAD 0.00001; TOPMed 0.00003.
gnomAD v4.1: 4 of 1,613,602 alleles (0.00025%); highest among the groups gnomAD compares: Admixed American, 0.0033%; no homozygotes.

Submission:

Labcorp Genetics (formerly Invitae), Labcorp
Classification: Uncertain significance for Neuropathy, hereditary sensory and autonomic, type 2A; Generalized epilepsy with febrile seizures plus, type 7. Last evaluated: 2022-04-26. Review status: criteria provided, single submitter. Criteria: Invitae Variant Classification Sherloc (09022015). Collection method: clinical testing. Allele origin: germline.
Comment: This sequence change replaces valine, which is neutral and non-polar, with methionine, which is neutral and non-polar, at codon 258 of the SCN9A protein (p.Val258Met). This variant is present in population databases (no rsID available, gnomAD no frequency). This variant has not been reported in the literature in individuals affected with SCN9A-related conditions. ClinVar contains an entry for this variant (Variation ID: 1054352). Algorithms developed to predict the effect of missense changes on protein structure and function are either unavailable or do not agree on the potential impact of this missense change (SIFT: "Deleterious"; PolyPhen-2: "Probably Damaging"; Align-GVGD: "Class C15"). In summary, the available evidence is currently insufficient to determine the role of this variant in disease. Therefore, it has been classified as a Variant of Uncertain Significance.

NM_001365536.1(SCN9A):c.772G>A (p.Val258Met)

Gene: SCN9A (sodium voltage-gated channel alpha subunit 9; minus strand). Cytogenetic location: 2q24.3.
Variant type: single nucleotide variant.
Coding change: c.772G>A on transcript NM_001365536.1 (MANE Select); coding-DNA position 772, G replaced by A.
Protein change: p.Val258Met; replaces valine 258 with methionine.
Molecular consequence: missense variant.
Genome position (GRCh38, 1-based): chr2:166,303,219, C>T on the plus strand (G>A on the coding strand, the complement: SCN9A is on the minus strand). VCF-style: chr2-166303219-C-T. GRCh37 (hg19) VCF-style: chr2-167159729-C-T.
Other names: c.772G>A, p.Val258Met (NM_002977.4); short protein forms V258M.
Identifiers: ClinVar variation 1054352 (VCV001054352.9), dbSNP rs1315605952, ClinGen allele CA349092901.